The following is an entry in ClinVar:

NM_000405.5(GM2A):c.395A>T (p.Tyr132Phe)

Gene: GM2A (ganglioside GM2 activator; plus strand). Cytogenetic location: 5q33.1.
Variant type: single nucleotide variant.
Coding change: c.395A>T on transcript NM_000405.5 (MANE Select); coding-DNA position 395, A replaced by T.
Protein change: p.Tyr132Phe; replaces tyrosine 132 with phenylalanine.
Molecular consequence: missense variant.
Genome position (GRCh38, 1-based): chr5:151,266,882, A>T. VCF-style: chr5-151266882-A-T. GRCh37 (hg19) VCF-style: chr5-150646443-A-T.
Other names: c.395A>T, p.Tyr132Phe (NM_001167607.3); c.395A>T (NM_000405.4); short protein forms Y132F.
Identifiers: ClinVar variation 2174602 (VCV002174602.2), dbSNP rs762131629, ClinGen allele CA3517940.

ClinVar aggregate classification (germline): Uncertain significance. Review status: criteria provided, multiple submitters, no conflicts (2 of 4 stars). 2 submissions from 2 submitters: Uncertain significance (2). Last evaluated 2022-09-01.

Conditions:
Tay-Sachs disease, variant AB. Also called: Gm2-gangliosidosis, ab variant; GM2 Activator Deficiency. Identifiers: Orphanet 309246, MedGen C0268275, MONDO:0010099, OMIM 272750.
Inborn genetic diseases. Identifiers: MedGen C0950123, MeSH D030342.

Allele frequency attached by ClinVar (database versions not stated): TOPMed 0.00002.
gnomAD v4.1: 63 of 1,613,748 alleles (0.0039%); highest among the groups gnomAD compares: South Asian, 0.065%; no homozygotes.

Submissions (2):

Labcorp Genetics (formerly Invitae), Labcorp
Classification: Uncertain significance for Tay-Sachs disease, variant AB. Last evaluated: 2022-09-01. Review status: criteria provided, single submitter. Criteria: Invitae Variant Classification Sherloc (09022015). Collection method: clinical testing. Allele origin: germline.
Comment: This sequence change replaces tyrosine, which is neutral and polar, with phenylalanine, which is neutral and non-polar, at codon 132 of the GM2A protein (p.Tyr132Phe). This variant is present in population databases (rs762131629, gnomAD 0.05%). This variant has not been reported in the literature in individuals affected with GM2A-related conditions. Algorithms developed to predict the effect of missense changes on protein structure and function are either unavailable or do not agree on the potential impact of this missense change (SIFT: "Deleterious"; PolyPhen-2: "Benign"; Align-GVGD: "Class C0"). In summary, the available evidence is currently insufficient to determine the role of this variant in disease. Therefore, it has been classified as a Variant of Uncertain Significance.

Ambry Genetics
Classification: Uncertain significance for Inborn genetic diseases. Last evaluated: 2021-09-17. Review status: criteria provided, single submitter. Criteria: Ambry Variant Classification Scheme 2023. Collection method: clinical testing. Allele origin: germline.